The following is an entry in ClinVar:

ClinVar aggregate classification (germline): Conflicting classifications of pathogenicity. Review status: criteria provided, conflicting classifications (1 of 4 stars). 3 submissions from 3 submitters: Uncertain significance (1); Likely benign (2). Last evaluated 2024-10-14.

Conditions:
Charcot-Marie-Tooth disease axonal type 2S. Also called: CHARCOT-MARIE-TOOTH NEUROPATHY, TYPE 2S; CHARCOT-MARIE-TOOTH DISEASE, AXONAL, AUTOSOMAL RECESSIVE, TYPE 2S. Identifiers: Orphanet 443073, MedGen C4015349, MONDO:0014511, OMIM 616155.
Autosomal recessive distal spinal muscular atrophy 1. Also called: HMN VI; NEURONOPATHY, SEVERE INFANTILE AXONAL, WITH RESPIRATORY FAILURE; SEVERE INFANTILE AXONAL NEUROPATHY WITH RESPIRATORY FAILURE; SPINAL MUSCULAR ATROPHY, DIAPHRAGMATIC; Spinal muscular atrophy with respiratory distress 1; NEURONOPATHY, DISTAL HEREDITARY MOTOR, HARDING TYPE VI. Identifiers: Orphanet 98920, MedGen C1858517, MONDO:0011436, OMIM 604320.
Inborn genetic diseases. Identifiers: MedGen C0950123, MeSH D030342.

Allele frequency attached by ClinVar (database versions not stated): TOPMed 0.00002.
gnomAD v4.1: 38 of 1,610,804 alleles (0.0024%); highest among the groups gnomAD compares: Admixed American, 0.0084%; no homozygotes.

Submissions (3):

Labcorp Genetics (formerly Invitae), Labcorp
Classification: Likely benign for Autosomal recessive distal spinal muscular atrophy 1; Charcot-Marie-Tooth disease axonal type 2S. Last evaluated: 2024-10-14. Review status: criteria provided, single submitter. Criteria: Invitae Variant Classification Sherloc (09022015). Collection method: clinical testing. Allele origin: germline.

Ambry Genetics
Classification: Uncertain significance for Inborn genetic diseases. Last evaluated: 2021-03-22. Review status: criteria provided, single submitter. Criteria: Ambry Variant Classification Scheme 2023. Collection method: clinical testing. Allele origin: germline.
Comment: The c.1236-6G>C intronic variant results from a G to C substitution 6 nucleotides upstream from coding exon 9 in the IGHMBP2 gene. This nucleotide position is not well conserved in available vertebrate species. In silico splice site analysis predicts that this alteration will not have any significant effect on splicing. Since supporting evidence is limited at this time, the clinical significance of this alteration remains unclear.

GeneDx
Classification: Likely benign. Last evaluated: 2017-06-13. Review status: criteria provided, single submitter. Criteria: GeneDx Variant Classification (06012015). Collection method: clinical testing. Allele origin: germline. Affected: yes.
Comment: This variant is considered likely benign or benign based on one or more of the following criteria: it is a conservative change, it occurs at a poorly conserved position in the protein, it is predicted to be benign by multiple in silico algorithms, and/or has population frequency not consistent with disease.

NM_002180.3(IGHMBP2):c.1236-6G>C

Gene: IGHMBP2 (immunoglobulin mu DNA binding protein 2; plus strand). Cytogenetic location: 11q13.3.
Variant type: single nucleotide variant.
Coding change: c.1236-6G>C on transcript NM_002180.3 (MANE Select); 6 bases into the intron before coding-DNA position 1236, G replaced by C.
Molecular consequence: intron variant.
Genome position (GRCh38, 1-based): chr11:68,933,293, G>C. VCF-style: chr11-68933293-G-C. GRCh37 (hg19) VCF-style: chr11-68700761-G-C.
Identifiers: ClinVar variation 510072 (VCV000510072.11), dbSNP rs201538340, ClinGen allele CA6153583.